The following is an entry in ClinVar:

ClinVar aggregate classification (germline): Uncertain significance (1 of 4 stars; one submission).

Conditions:
Inborn genetic diseases. Identifiers: MedGen C0950123, MeSH D030342.

Submission:

Ambry Genetics
Classification: Uncertain significance for Inborn genetic diseases. Last evaluated: 2025-08-30. Review status: criteria provided, single submitter. Criteria: Ambry Variant Classification Scheme 2023. Collection method: clinical testing. Allele origin: germline.
Comment: The p.N608S variant (also known as c.1823A>G), located in coding exon 17 of the DDX41 gene, results from an A to G substitution at nucleotide position 1823. The asparagine at codon 608 is replaced by serine, an amino acid with highly similar properties. This amino acid position is conserved. In addition, this alteration is predicted to be tolerated by in silico analysis. Based on the available evidence, the clinical significance of this variant remains unclear.

NM_016222.4(DDX41):c.1823A>G (p.Asn608Ser)

Gene: DDX41 (DEAD-box helicase 41; minus strand). Cytogenetic location: 5q35.3.
Variant type: single nucleotide variant.
Coding change: c.1823A>G on transcript NM_016222.4 (MANE Select); coding-DNA position 1823, A replaced by G.
Protein change: p.Asn608Ser; replaces asparagine 608 with serine.
Molecular consequence: missense variant.
Genome position (GRCh38, 1-based): chr5:177,511,837, T>C on the plus strand (A>G on the coding strand, the complement: DDX41 is on the minus strand). VCF-style: chr5-177511837-T-C. GRCh37 (hg19) VCF-style: chr5-176938838-T-C.
Other names: c.1445A>G, p.Asn482Ser (NM_001321830.2, NM_001321732.2); short protein forms N482S, N608S.
Identifiers: ClinVar variation 4238821 (VCV004238821.1).